The following is an entry in ClinVar:

NM_001287.6(CLCN7):c.350C>T (p.Thr117Met)

Gene: CLCN7 (Cl-/H+ antiporter 7; minus strand). Cytogenetic location: 16p13.3.
Variant type: single nucleotide variant.
Coding change: c.350C>T on transcript NM_001287.6 (MANE Select); coding-DNA position 350, C replaced by T.
Protein change: p.Thr117Met; replaces threonine 117 with methionine.
Molecular consequence: missense variant.
Genome position (GRCh38, 1-based): chr16:1,461,406, G>A on the plus strand (C>T on the coding strand, the complement: CLCN7 is on the minus strand). VCF-style: chr16-1461406-G-A. GRCh37 (hg19) VCF-style: chr16-1511407-G-A.
Other names: c.278C>T, p.Thr93Met (NM_001114331.3); short protein forms T117M, T93M.
Identifiers: ClinVar variation 317963 (VCV000317963.32), dbSNP rs201003681, ClinGen allele CA7810828.

ClinVar aggregate classification (germline): Benign/Likely benign. Review status: criteria provided, multiple submitters, no conflicts (2 of 4 stars). 6 submissions from 6 submitters: Benign (3); Likely benign (3). Last evaluated 2026-01-24.

Conditions:
Disorder of bone. Also called: Bone disease; Bone disorder; Rare bone disease related to a common gene or pathway defect. Identifiers: Orphanet 364803, MedGen C0005940, MONDO:0005381.
CLCN7-related disorder. Also called: CLCN7-related condition.
Osteopetrosis. Identifiers: Orphanet 2781, MedGen C0029454, MONDO:0017198, HP:0011002.

Allele frequency attached by ClinVar (database versions not stated): ESP Exome Variant Server 0.00008; gnomAD 0.00014 and 0.00042; TOPMed 0.00014; gnomAD exomes 0.00075 and 0.00167; 1000 Genomes Project 30x 0.00172; 1000 Genomes Project 0.00180; ExAC 0.00475.
gnomAD v4.1: 1,090 of 1,549,418 alleles (0.07%); highest among the groups gnomAD compares: South Asian, 1.1%; 18 homozygotes.

Submissions (6):

Labcorp Genetics (formerly Invitae), Labcorp
Classification: Benign. Last evaluated: 2026-01-24. Review status: criteria provided, single submitter. Criteria: Invitae Variant Classification Sherloc (09022015). Collection method: clinical testing. Allele origin: germline.

CeGaT Center for Human Genetics Tuebingen
Classification: Benign. Last evaluated: 2025-12-01. Review status: criteria provided, single submitter. Criteria: CeGaT Center For Human Genetics Tuebingen Variant Classification Criteria Version 2. Collection method: clinical testing. Allele origin: germline. Affected: yes. Observed: 2 variant alleles.
Comment: CLCN7: BP4, BS1, BS2

PreventionGenetics, part of Exact Sciences
Classification: Likely benign for CLCN7-related condition. Last evaluated: 2024-12-23. Review status: criteria provided, single submitter. Criteria: ACMG Guidelines, 2015. Collection method: clinical testing. Allele origin: germline.
Comment: This variant is classified as likely benign based on ACMG/AMP sequence variant interpretation guidelines (Richards et al. 2015 PMID: 25741868, with internal and published modifications).

Blueprint Genetics
Classification: Likely benign. Last evaluated: 2024-11-11. Review status: criteria provided, single submitter. Criteria: ACMG Guidelines, 2015. Collection method: clinical testing. Allele origin: germline.

Genome Diagnostics Laboratory, The Hospital for Sick Children
Classification: Benign for Disorder of bone. Last evaluated: 2020-12-03. Review status: criteria provided, single submitter. Criteria: ACMG Guidelines, 2015. Collection method: clinical testing. Allele origin: germline. Affected: yes.
Comment: This missense variant is classified as Benign (ACMG criteria - BS1, BS2m, BP6, BP4)

Illumina Laboratory Services, Illumina
Classification: Likely benign for Osteopetrosis. Last evaluated: 2018-01-13. Review status: criteria provided, single submitter. Criteria: ICSL Variant Classification Criteria 13 December 2019. Collection method: clinical testing. Allele origin: germline.
Comment: This variant was observed in the ICSL laboratory as part of a predisposition screen in an ostensibly healthy population. It had not been previously curated by ICSL or reported in the Human Gene Mutation Database (HGMD: prior to June 1st, 2018), and was therefore a candidate for classification through an automated scoring system. Utilizing variant allele frequency, disease prevalence and penetrance estimates, and inheritance mode, an automated score was calculated to assess if this variant is too frequent to cause the disease. Based on the score and internal cut-off values, a variant classified as likely benign is not then subjected to further curation. The score for this variant resulted in a classification of likely benign for this disease.